The following is an entry in ClinVar:

NM_001370100.5(ZMYND11):c.1475G>T (p.Arg492Leu)

Genes: ZMYND11 (zinc finger MYND-type containing 11; plus strand), LOC126860802 (BRD4-independent group 4 enhancer GRCh37_chr10:294268-295467; plus strand). Cytogenetic location: 10p15.3.
Variant type: single nucleotide variant.
Coding change: c.1475G>T on transcript NM_001370100.5 (MANE Select); coding-DNA position 1475, G replaced by T.
Protein change: p.Arg492Leu; replaces arginine 492 with leucine.
Molecular consequence: missense variant. On other transcripts: non-coding transcript variant (1).
Genome position (GRCh38, 1-based): chr10:248,583, G>T. VCF-style: chr10-248583-G-T. GRCh37 (hg19) VCF-style: chr10-294523-G-T.
Other names: c.1475G>T, p.Arg492Leu (NM_001161482.1, NM_001370102.2, NM_006624.7 and 5 more transcripts); c.1313G>T, p.Arg438Leu (NM_001202464.3, NM_001370103.2, NM_001370104.2 and 6 more transcripts); c.1220G>T, p.Arg407Leu (NM_001370110.2, NM_001202465.3); c.1193G>T, p.Arg398Leu (NM_001370121.2); c.1169G>T, p.Arg390Leu (NM_001370122.2); c.1118G>T, p.Arg373Leu (NM_001370123.2); c.1004G>T, p.Arg335Leu (NM_001370124.3); c.1472G>T, p.Arg491Leu (NM_212479.4, NM_001370115.2); and 8 more; short protein forms R335L, R373L, R390L, R398L, R407L, R416L, R437L, R438L.
Identifiers: ClinVar variation 1711947 (VCV001711947.3), dbSNP rs751729106, ClinGen allele CA375822975.

ClinVar aggregate classification (germline): Uncertain significance. Review status: criteria provided, multiple submitters, no conflicts (2 of 4 stars). 2 submissions from 2 submitters: Uncertain significance (2). Last evaluated 2025-06-22.

Conditions:
Inborn genetic diseases. Identifiers: MedGen C0950123, MeSH D030342.

Submissions (2):

Ambry Genetics
Classification: Uncertain significance for Inborn genetic diseases. Last evaluated: 2025-06-22. Review status: criteria provided, single submitter. Criteria: Ambry Variant Classification Scheme 2023. Collection method: clinical testing. Allele origin: germline.

GeneDx
Classification: Uncertain significance. Last evaluated: 2022-04-22. Review status: criteria provided, single submitter. Criteria: GeneDx Variant Classification Process June 2021. Collection method: clinical testing. Allele origin: germline. Affected: yes.
Comment: Not observed at significant frequency in large population cohorts (gnomAD); In silico analysis supports that this missense variant has a deleterious effect on protein structure/function; Has not been previously published as pathogenic or benign to our knowledge